The following is an entry in ClinVar:

ClinVar aggregate classification (germline): Uncertain significance (1 of 4 stars; one submission).

Conditions:
COG6-related disorder.

Submission:

PreventionGenetics, part of Exact Sciences
Classification: Uncertain significance for COG6-related condition. Last evaluated: 2024-11-27. Review status: criteria provided, single submitter. Criteria: ACMG Guidelines, 2015. Collection method: clinical testing. Allele origin: germline.
Comment: The COG6 c.527G>A variant is predicted to result in the amino acid substitution p.Gly176Glu. To our knowledge, this variant has not been reported in the literature or in a large population database (gnomAD), indicating this variant is rare. At this time, the clinical significance of this variant is uncertain due to the absence of conclusive functional and genetic evidence.

NM_020751.3(COG6):c.527G>A (p.Gly176Glu)

Gene: COG6 (component of oligomeric golgi complex 6; plus strand). Cytogenetic location: 13q14.11.
Variant type: single nucleotide variant.
Coding change: c.527G>A on transcript NM_020751.3 (MANE Select); coding-DNA position 527, G replaced by A.
Protein change: p.Gly176Glu; replaces glycine 176 with glutamic acid.
Molecular consequence: missense variant. On other transcripts: non-coding transcript variant (1).
Genome position (GRCh38, 1-based): chr13:39,677,566, G>A. VCF-style: chr13-39677566-G-A. GRCh37 (hg19) VCF-style: chr13-40251703-G-A.
Other names: c.527G>A, p.Gly176Glu (NM_001145079.2); short protein forms G176E.
Identifiers: ClinVar variation 5001097 (VCV005001097.1).